The following is an entry in ClinVar:

ClinVar aggregate classification (germline): Conflicting classifications of pathogenicity. Review status: criteria provided, conflicting classifications (1 of 4 stars). 2 submissions from 2 submitters: Uncertain significance (1); Likely benign (1). Last evaluated 2025-09-30.

Conditions:
Beckwith-Wiedemann syndrome (BWS). Also called: Exomphalos macroglossia gigantism syndrome; EMG SYNDROME. Identifiers: Orphanet 116, MedGen C0004903, MONDO:0007534, OMIM 130650.
CDKN1C-related disorder. Also called: CDKN1C-related condition.

Allele frequency attached by ClinVar (database versions not stated): gnomAD exomes below 0.00001.

Submissions (2):

PreventionGenetics, part of Exact Sciences
Classification: Uncertain significance for CDKN1C-related condition. Last evaluated: 2025-09-30. Review status: criteria provided, single submitter. Criteria: ACMG Guidelines, 2015. Collection method: clinical testing. Allele origin: germline.
Comment: The CDKN1C c.272C>T variant is predicted to result in the amino acid substitution p.Ala91Val. To our knowledge, this variant has not been reported in the literature or in a large population database (gnomAD), indicating this variant is rare. Of note, this variant corresponds to the c.837C>T (p.=) variant on the most commonly reported transcript (NM_000076). At this time, the clinical significance of this variant is uncertain due to the absence of conclusive functional and genetic evidence.

Labcorp Genetics (formerly Invitae), Labcorp
Classification: Likely benign for Beckwith-Wiedemann syndrome. Last evaluated: 2024-11-27. Review status: criteria provided, single submitter. Criteria: Invitae Variant Classification Sherloc (09022015). Collection method: clinical testing. Allele origin: germline.

NM_001122630.2(CDKN1C):c.804C>T (p.Arg268=)

Gene: CDKN1C (cyclin dependent kinase inhibitor 1C; minus strand). Cytogenetic location: 11p15.4.
Variant type: single nucleotide variant.
Coding change: c.804C>T on transcript NM_001122630.2 (MANE Select); coding-DNA position 804, C replaced by T.
Protein change: p.Arg268=; no amino-acid change (arginine 268 retained).
Molecular consequence: synonymous variant. On other transcripts: missense variant (1).
Genome position (GRCh38, 1-based): chr11:2,884,118, G>A on the plus strand (C>T on the coding strand, the complement: CDKN1C is on the minus strand). VCF-style: chr11-2884118-G-A. GRCh37 (hg19) VCF-style: chr11-2905348-G-A.
Other names: c.272C>T (NM_001362475.1); c.837C>T, p.Arg279= (LRG_533t1, NM_000076.2, NM_001362474.2); c.804C>T, p.Arg268= (NM_001122631.2); c.272C>T, p.Ala91Val (NM_001362475.2); short protein forms A91V.
Identifiers: ClinVar variation 567590 (VCV000567590.9), dbSNP rs1564928743, ClinGen allele CA379145099.